The following is an entry in ClinVar:

ClinVar aggregate classification (germline): Uncertain significance (1 of 4 stars; one submission).

Conditions:
Duchenne muscular dystrophy (DMD). Also called: MUSCULAR DYSTROPHY, PSEUDOHYPERTROPHIC PROGRESSIVE, DUCHENNE TYPE; Duchenne Muscular Dystrophy (DMD). Identifiers: Orphanet 98896, MedGen C0013264, MONDO:0010679, OMIM 310200.

Submission:

Labcorp Genetics (formerly Invitae), Labcorp
Classification: Uncertain significance for Duchenne muscular dystrophy. Last evaluated: 2024-09-03. Review status: criteria provided, single submitter. Criteria: Invitae Variant Classification Sherloc (09022015). Collection method: clinical testing. Allele origin: germline.
Comment: This sequence change replaces glutamine, which is neutral and polar, with glutamic acid, which is acidic and polar, at codon 1452 of the DMD protein (p.Gln1452Glu). This variant is not present in population databases (gnomAD no frequency). This variant has not been reported in the literature in individuals affected with DMD-related conditions. Invitae Evidence Modeling of protein sequence and biophysical properties (such as structural, functional, and spatial information, amino acid conservation, physicochemical variation, residue mobility, and thermodynamic stability) indicates that this missense variant is not expected to disrupt DMD protein function with a negative predictive value of 95%. In summary, the available evidence is currently insufficient to determine the role of this variant in disease. Therefore, it has been classified as a Variant of Uncertain Significance.

NM_004006.3(DMD):c.4354C>G (p.Gln1452Glu)

Gene: DMD (dystrophin; minus strand). Cytogenetic location: Xp21.1.
Variant type: single nucleotide variant.
Coding change: c.4354C>G on transcript NM_004006.3 (MANE Select); coding-DNA position 4354, C replaced by G.
Protein change: p.Gln1452Glu; replaces glutamine 1452 with glutamic acid.
Molecular consequence: missense variant.
Genome position (GRCh38, 1-based): chrX:32,389,665, G>C on the plus strand (C>G on the coding strand, the complement: DMD is on the minus strand). VCF-style: chrX-32389665-G-C. GRCh37 (hg19) VCF-style: chrX-32407782-G-C.
Other names: c.4330C>G, p.Gln1444Glu (NM_000109.4); c.4342C>G, p.Gln1448Glu (NM_004009.3); c.3985C>G, p.Gln1329Glu (NM_004010.3); c.331C>G, p.Gln111Glu (NM_004011.4); c.322C>G, p.Gln108Glu (NM_004012.4); short protein forms Q1329E, Q1444E, Q108E, Q111E, Q1448E, Q1452E.
Identifiers: ClinVar variation 3679923 (VCV003679923.2).